The following is an entry in ClinVar:

ClinVar aggregate classification (germline): Uncertain significance (1 of 4 stars; one submission).

Allele frequency attached by ClinVar (database versions not stated): TOPMed 0.00002; gnomAD 0.00005; gnomAD exomes 0.00008 and 0.00012; ExAC 0.00015; 1000 Genomes Project 30x 0.00031; 1000 Genomes Project 0.00060.
gnomAD v4.1: 122 of 1,613,644 alleles (0.0076%); highest among the groups gnomAD compares: South Asian, 0.12%; 2 homozygotes.

Submission:

Labcorp Genetics (formerly Invitae), Labcorp
Classification: Uncertain significance. Last evaluated: 2025-08-03. Review status: criteria provided, single submitter. Criteria: Invitae Variant Classification Sherloc (09022015). Collection method: clinical testing. Allele origin: germline.
Comment: This sequence change replaces glycine, which is neutral and non-polar, with aspartic acid, which is acidic and polar, at codon 1025 of the AP3D1 protein (p.Gly1025Asp). This variant is present in population databases (rs551959777, gnomAD 0.09%). This variant has not been reported in the literature in individuals affected with AP3D1-related conditions. ClinVar contains an entry for this variant (Variation ID: 1491381). An algorithm developed to predict the effect of missense changes on protein structure and function (PolyPhen-2) suggests that this variant is likely to be tolerated. In summary, the available evidence is currently insufficient to determine the role of this variant in disease. Therefore, it has been classified as a Variant of Uncertain Significance.

NM_001261826.3(AP3D1):c.3074G>A (p.Gly1025Asp)

Gene: AP3D1 (adaptor related protein complex 3 subunit delta 1; minus strand). Cytogenetic location: 19p13.3.
Variant type: single nucleotide variant.
Coding change: c.3074G>A on transcript NM_001261826.3 (MANE Select); coding-DNA position 3074, G replaced by A.
Protein change: p.Gly1025Asp; replaces glycine 1025 with aspartic acid.
Molecular consequence: missense variant.
Genome position (GRCh38, 1-based): chr19:2,110,808, C>T on the plus strand (G>A on the coding strand, the complement: AP3D1 is on the minus strand). VCF-style: chr19-2110808-C-T. GRCh37 (hg19) VCF-style: chr19-2110807-C-T.
Other names: c.3038G>A, p.Gly1013Asp (NM_001374799.1); c.2888G>A, p.Gly963Asp (NM_003938.8); short protein forms G1025D, G963D, G1013D.
Identifiers: ClinVar variation 1491381 (VCV001491381.6), dbSNP rs551959777, ClinGen allele CA9058576.